The following is an entry in ClinVar:

NM_004612.4(TGFBR1):c.555A>G (p.Thr185=)

Gene: TGFBR1 (transforming growth factor beta receptor 1; plus strand). Cytogenetic location: 9q22.33.
Variant type: single nucleotide variant.
Coding change: c.555A>G on transcript NM_004612.4 (MANE Select); coding-DNA position 555, A replaced by G.
Protein change: p.Thr185=; no amino-acid change (threonine 185 retained).
Molecular consequence: synonymous variant. On other transcripts: non-coding transcript variant (4), intron variant (3).
Genome position (GRCh38, 1-based): chr9:99,132,720, A>G. VCF-style: chr9-99132720-A-G. GRCh37 (hg19) VCF-style: chr9-101895002-A-G.
Other names: c.567A>G, p.Thr189= (NM_001306210.2, NM_001407416.1); c.555A>G, p.Thr185= (NM_001407417.1, NM_001407435.1); c.360A>G, p.Thr120= (NM_001407418.1, NM_001407419.1, NM_001407420.1 and 1 more transcripts); c.348A>G, p.Thr116= (NM_001407423.1, NM_001407424.1, NM_001407425.1 and 8 more transcripts); c.309A>G, p.Thr103= (NM_001407436.1); c.343+3620A>G (NM_001130916.3); c.98-5139A>G (NM_001407438.1); c.98-9816A>G (NM_001407437.1).
Identifiers: ClinVar variation 2051190 (VCV002051190.5), dbSNP rs2490145003, ClinGen allele CA466648184.
Genomic context (GRCh38, chr9:99,132,720, plus strand): 5'-ATTAGATCGCCCTTTTATTTCAGAGGGTACTACGTTGAAAGACTTAATTTATGATATGAC[A>G]ACGTCAGGTTCTGGCTCAGGTAACATAATTGTTTCTCCTTTTTCCTAAGACATCTTTTTA-3'
Protein context (NP_004603.1, residues 175-195): TTLKDLIYDM[Thr185=]TSGSGSGLPL

ClinVar aggregate classification (germline): Likely benign. Review status: criteria provided, multiple submitters, no conflicts (2 of 4 stars). 2 submissions from 2 submitters: Likely benign (2). Last evaluated 2023-12-13.

Conditions:
Loeys-Dietz syndrome (LDS). Identifiers: Orphanet 60030, MedGen C2697932, MONDO:0018954.
Familial thoracic aortic aneurysm and aortic dissection (TAAD). Also called: Thoracic aortic aneurysms and dissections. Identifiers: Orphanet 91387, MedGen C4707243, MONDO:0019625.

Allele frequency attached by ClinVar (database versions not stated): gnomAD exomes below 0.00001.
gnomAD v4.1: 2 of 1,614,174 alleles (0.00012%); highest among the groups gnomAD compares: Non-Finnish European, 0.00017%; no homozygotes.

Submissions (2):

All of Us Research Program, National Institutes of Health
Classification: Likely benign for Loeys-Dietz syndrome. Last evaluated: 2023-12-13. Review status: criteria provided, single submitter. Criteria: ACMG Guidelines, 2015. Collection method: clinical testing. Allele origin: germline. Inheritance: Autosomal dominant inheritance. Observed: 1 variant allele, 1 heterozygote.
Comment: This study involves interpretation of variants in research participants for the purpose of population health screening. Participant phenotype was not available at the time of variant classification. Additional details can be found in publication PMID: 35346344, PMCID: PMC8962531

Labcorp Genetics (formerly Invitae), Labcorp
Classification: Likely benign for Familial thoracic aortic aneurysm and aortic dissection. Last evaluated: 2022-11-22. Review status: criteria provided, single submitter. Criteria: Invitae Variant Classification Sherloc (09022015). Collection method: clinical testing. Allele origin: germline.